The following is an entry in ClinVar:

ClinVar aggregate classification (germline): Likely benign (1 of 4 stars; one submission).

Submission:

CeGaT Center for Human Genetics Tuebingen
Classification: Likely benign. Last evaluated: 2022-11-01. Review status: criteria provided, single submitter. Criteria: CeGaT Center For Human Genetics Tuebingen Variant Classification Criteria Version 2. Collection method: clinical testing. Allele origin: germline. Affected: yes. Observed: 1 variant allele.
Comment: AHNAK2: PM2:Supporting, BP4, BP7

NM_138420.4(AHNAK2):c.15996G>A (p.Lys5332=)

Gene: AHNAK2 (AHNAK nucleoprotein 2; minus strand). Cytogenetic location: 14q32.33.
Variant type: single nucleotide variant.
Coding change: c.15996G>A on transcript NM_138420.4 (MANE Select); coding-DNA position 15996, G replaced by A.
Protein change: p.Lys5332=; no amino-acid change (lysine 5332 retained).
Molecular consequence: synonymous variant.
Genome position (GRCh38, 1-based): chr14:104,939,455, C>T on the plus strand (G>A on the coding strand, the complement: AHNAK2 is on the minus strand). VCF-style: chr14-104939455-C-T. GRCh37 (hg19) VCF-style: chr14-105405792-C-T.
Other names: c.15696G>A, p.Lys5232= (NM_001350929.2).
Identifiers: ClinVar variation 2644632 (VCV002644632.24), dbSNP rs2542491071, ClinGen allele CA488720380.